The following is an entry in ClinVar:

ClinVar aggregate classification (germline): Uncertain significance. Review status: criteria provided, multiple submitters, no conflicts (2 of 4 stars). 3 submissions from 3 submitters: Uncertain significance (3). Last evaluated 2025-08-24.

Conditions:
Inborn genetic diseases. Identifiers: MedGen C0950123, MeSH D030342.

Allele frequency attached by ClinVar (database versions not stated): gnomAD 0.00004 and 0.00005; TOPMed 0.00006; gnomAD exomes 0.00008; ExAC 0.00012; ESP Exome Variant Server 0.00017.
gnomAD v4.1: 89 of 1,568,996 alleles (0.0057%); highest among the groups gnomAD compares: Non-Finnish European, 0.0056%; no homozygotes.

Submissions (3):

Ambry Genetics
Classification: Uncertain significance for Inborn genetic diseases. Last evaluated: 2025-08-24. Review status: criteria provided, single submitter. Criteria: Ambry Variant Classification Scheme 2023. Collection method: clinical testing. Allele origin: germline.

Blueprint Genetics
Classification: Uncertain significance. Last evaluated: 2024-11-06. Review status: criteria provided, single submitter. Criteria: ACMG Guidelines, 2015. Collection method: clinical testing. Allele origin: germline.

Labcorp Genetics (formerly Invitae), Labcorp
Classification: Uncertain significance. Last evaluated: 2024-10-24. Review status: criteria provided, single submitter. Criteria: Invitae Variant Classification Sherloc (09022015). Collection method: clinical testing. Allele origin: germline.
Comment: This sequence change replaces aspartic acid, which is acidic and polar, with valine, which is neutral and non-polar, at codon 1431 of the KIAA1549 protein (p.Asp1431Val). This variant is present in population databases (rs377594285, gnomAD 0.08%). This variant has not been reported in the literature in individuals affected with KIAA1549-related conditions. ClinVar contains an entry for this variant (Variation ID: 1512695). An algorithm developed to predict the effect of missense changes on protein structure and function (PolyPhen-2) suggests that this variant is likely to be disruptive. In summary, the available evidence is currently insufficient to determine the role of this variant in disease. Therefore, it has been classified as a Variant of Uncertain Significance.

NM_001164665.2(KIAA1549):c.4292A>T (p.Asp1431Val)

Gene: KIAA1549 (KIAA1549; minus strand). Cytogenetic location: 7q34.
Variant type: single nucleotide variant.
Coding change: c.4292A>T on transcript NM_001164665.2 (MANE Select); coding-DNA position 4292, A replaced by T.
Protein change: p.Asp1431Val; replaces aspartic acid 1431 with valine.
Molecular consequence: missense variant.
Genome position (GRCh38, 1-based): chr7:138,879,591, T>A on the plus strand (A>T on the coding strand, the complement: KIAA1549 is on the minus strand). VCF-style: chr7-138879591-T-A. GRCh37 (hg19) VCF-style: chr7-138564337-T-A.
Other names: c.4292A>T, p.Asp1431Val (NM_020910.3); c.4292A>T (NM_001164665.1); short protein forms D1431V.
Identifiers: ClinVar variation 1512695 (VCV001512695.9), dbSNP rs377594285, ClinGen allele CA4505953.